The following is an entry in ClinVar:

NM_000384.3(APOB):c.1033G>A (p.Ala345Thr)

Gene: APOB (apolipoprotein B; minus strand). Cytogenetic location: 2p24.1.
Variant type: single nucleotide variant.
Coding change: c.1033G>A on transcript NM_000384.3 (MANE Select); coding-DNA position 1033, G replaced by A.
Protein change: p.Ala345Thr; replaces alanine 345 with threonine.
Molecular consequence: missense variant.
Genome position (GRCh38, 1-based): chr2:21,033,390, C>T on the plus strand (G>A on the coding strand, the complement: APOB is on the minus strand). VCF-style: chr2-21033390-C-T. GRCh37 (hg19) VCF-style: chr2-21256262-C-T.
Other names: short protein forms A345T.
Identifiers: ClinVar variation 597380 (VCV000597380.20), dbSNP rs777330578, ClinGen allele CA043237.

ClinVar aggregate classification (germline): Conflicting classifications of pathogenicity. Review status: criteria provided, conflicting classifications (1 of 4 stars). 4 submissions from 4 submitters: Uncertain significance (3); Likely benign (1). Last evaluated 2025-04-10.

Conditions:
Cardiovascular phenotype. Identifiers: MedGen CN230736.
Hypercholesterolemia, autosomal dominant, type B (FHCL2). Also called: APOB-Related Familial Hypercholesterolemia, Autosomal Dominant; Hyperlipoproteinemia Type IIb; Familial Hypercholesterolemia Type B; APOLIPOPROTEIN B-100, FAMILIAL DEFECTIVE; APOLIPOPROTEIN B-100, FAMILIAL LIGAND-DEFECTIVE; Familial hypercholesterolemia 2. Identifiers: MedGen C1704417, MONDO:0007751, OMIM 144010.
Familial hypobetalipoproteinemia 1. Also called: APOB-Related Familial Hypobetalipoproteinemia; Hypobetalipoproteinemia, normotriglyceridemic; Acanthocytosis with hypobetalipoproteinemia. Identifiers: MedGen C4551990, MONDO:0014252, OMIM 615558.

Allele frequency attached by ClinVar (database versions not stated): gnomAD exomes 0.00002 and 0.00004; TOPMed 0.00002; ExAC 0.00005.

Submissions (4):

GeneDx
Classification: Uncertain significance. Last evaluated: 2025-04-10. Review status: criteria provided, single submitter. Criteria: GeneDx Variant Classification Process June 2021. Collection method: clinical testing. Allele origin: germline. Affected: yes.
Comment: In silico analysis supports that this missense variant has a deleterious effect on protein structure/function; Has not been previously published as pathogenic or benign to our knowledge

Labcorp Genetics (formerly Invitae), Labcorp
Classification: Likely benign for Familial hypobetalipoproteinemia 1; Hypercholesterolemia, autosomal dominant, type B. Last evaluated: 2024-03-16. Review status: criteria provided, single submitter. Criteria: Invitae Variant Classification Sherloc (09022015). Collection method: clinical testing. Allele origin: germline.

Ambry Genetics
Classification: Uncertain significance for Cardiovascular phenotype. Last evaluated: 2022-04-25. Review status: criteria provided, single submitter. Criteria: Ambry Variant Classification Scheme 2023. Collection method: clinical testing. Allele origin: germline.
Comment: The p.A345T variant (also known as c.1033G>A), located in coding exon 9 of the APOB gene, results from a G to A substitution at nucleotide position 1033. The alanine at codon 345 is replaced by threonine, an amino acid with similar properties. This amino acid position is conserved. In addition, the in silico prediction for this alteration is inconclusive. Since supporting evidence is limited at this time, the clinical significance of this alteration remains unclear.

Eurofins Ntd Llc (ga)
Classification: Uncertain significance. Last evaluated: 2018-06-13. Review status: criteria provided, single submitter. Criteria: EGL ClinVar v180209 classification definitions. Collection method: clinical testing. Allele origin: germline.